The following is an entry in ClinVar:

NM_001368397.1(FRMPD4):c.2960A>C (p.Lys987Thr)

Gene: FRMPD4 (FERM and PDZ domain containing 4; plus strand). Cytogenetic location: Xp22.2.
Variant type: single nucleotide variant.
Coding change: c.2960A>C on transcript NM_001368397.1 (MANE Select); coding-DNA position 2960, A replaced by C.
Protein change: p.Lys987Thr; replaces lysine 987 with threonine.
Molecular consequence: missense variant.
Genome position (GRCh38, 1-based): chrX:12,717,786, A>C. VCF-style: chrX-12717786-A-C. GRCh37 (hg19) VCF-style: chrX-12735905-A-C.
Other names: c.3071A>C, p.Lys1024Thr (NM_001368395.3, NM_001368398.3); c.2966A>C, p.Lys989Thr (NM_001368396.3); c.2951A>C, p.Lys984Thr (NM_001368399.3); c.2840A>C, p.Lys947Thr (NM_001368400.3); c.2936A>C, p.Lys979Thr (NM_001368401.1, NM_001368402.3); c.2960A>C, p.Lys987Thr (NM_014728.3); short protein forms K1024T, K947T, K979T, K984T, K987T, K989T.
Identifiers: ClinVar variation 1302907 (VCV001302907.2), dbSNP rs2042122764, ClinGen allele CA412316363.

ClinVar aggregate classification (germline): Uncertain significance (1 of 4 stars; one submission).

Allele frequency attached by ClinVar (database versions not stated): TOPMed below 0.00001.
gnomAD v4.1: 1 of 1,211,947 alleles (0.000083%); no homozygotes.

Submission:

GeneDx
Classification: Uncertain significance. Last evaluated: 2018-12-17. Review status: criteria provided, single submitter. Criteria: GeneDx Variant Classification Process June 2021. Collection method: clinical testing. Allele origin: germline. Affected: yes.
Comment: Not observed in large population cohorts (Lek et al., 2016); In silico analysis, which includes protein predictors and evolutionary conservation, supports that this variant does not alter protein structure/function; Has not been previously published as pathogenic or benign to our knowledge